The following is an entry in ClinVar:

ClinVar aggregate classification (germline): Benign. Review status: criteria provided, multiple submitters, no conflicts (2 of 4 stars). 3 submissions from 3 submitters: Benign (3). Last evaluated 2019-08-14.

Conditions:
Fanconi anemia complementation group J. Also called: BRIP1-Related Fanconi Anemia. Identifiers: Orphanet 84, MedGen C1836860, MONDO:0012187, OMIM 609054.

Allele frequency attached by ClinVar (database versions not stated): 1000 Genomes Project 0.62181; TOPMed 0.63574.
gnomAD v4.1: 552,513 of 929,366 alleles (59%); highest among the groups gnomAD compares: Admixed American, 75%; 170,514 homozygotes.

Submissions (3):

GeneDx
Classification: Benign. Last evaluated: 2019-08-14. Review status: criteria provided, single submitter. Criteria: GeneDx Variant Classification Process June 2021. Collection method: clinical testing. Allele origin: germline. Affected: yes.

Illumina Laboratory Services, Illumina
Classification: Benign for Fanconi anemia complementation group J. Last evaluated: 2018-01-13. Review status: criteria provided, single submitter. Criteria: ICSL Variant Classification Criteria 13 December 2019. Collection method: clinical testing. Allele origin: germline.
Comment: This variant was observed in the ICSL laboratory as part of a predisposition screen in an ostensibly healthy population. It had not been previously curated by ICSL or reported in the Human Gene Mutation Database (HGMD: prior to June 1st, 2018), and was therefore a candidate for classification through an automated scoring system. Utilizing variant allele frequency, disease prevalence and penetrance estimates, and inheritance mode, an automated score was calculated to assess if this variant is too frequent to cause the disease. Based on the score and internal cut-off values, a variant classified as benign is not then subjected to further curation. The score for this variant resulted in a classification of benign for this disease.

Breakthrough Genomics
Classification: Benign. Review status: criteria provided, single submitter. Criteria: ACMG Guidelines, 2015. Collection method: not provided. Allele origin: germline. Inheritance: Autosomal dominant inheritance. Affected: yes.

NM_032043.3(BRIP1):c.*158T>C

Gene: BRIP1 (BRCA1 interacting DNA helicase 1; minus strand). Cytogenetic location: 17q23.2.
Variant type: single nucleotide variant.
Coding change: c.*158T>C on transcript NM_032043.3 (MANE Select); 158 bases downstream of the stop codon, T replaced by C.
Molecular consequence: 3 prime UTR variant.
Genome position (GRCh38, 1-based): chr17:61,683,138, A>G on the plus strand (T>C on the coding strand, the complement: BRIP1 is on the minus strand). VCF-style: chr17-61683138-A-G. GRCh37 (hg19) VCF-style: chr17-59760499-A-G.
Identifiers: ClinVar variation 324344 (VCV000324344.9), dbSNP rs1978111, ClinGen allele CA10646340.